The following is an entry in ClinVar:

ClinVar aggregate classification (germline): Uncertain significance (1 of 4 stars; one submission).

Conditions:
Hereditary cancer-predisposing syndrome. Also called: Tumor predisposition; Hereditary Cancer Syndrome; Neoplastic Syndromes, Hereditary; Hereditary neoplastic syndrome. Identifiers: Orphanet 140162, MedGen C0027672, MeSH D009386, MONDO:0015356.

Submission:

Ambry Genetics
Classification: Uncertain significance for Hereditary cancer-predisposing syndrome. Last evaluated: 2019-11-04. Review status: criteria provided, single submitter. Criteria: Ambry Variant Classification Scheme 2023. Collection method: clinical testing. Allele origin: germline.
Comment: The p.H1062Y variant (also known as c.3184C>T), located in coding exon 22 of the SMARCA4 gene, results from a C to T substitution at nucleotide position 3184. The histidine at codon 1062 is replaced by tyrosine, an amino acid with similar properties. This amino acid position is highly conserved in available vertebrate species. In addition, the in silico prediction for this alteration is inconclusive. Since supporting evidence is limited at this time, the clinical significance of this alteration remains unclear.

NM_003072.5(SMARCA4):c.3184C>T (p.His1062Tyr)

Gene: SMARCA4 (SWI/SNF related BAF chromatin remodeling complex subunit ATPase 4; plus strand). Cytogenetic location: 19p13.2.
Variant type: single nucleotide variant.
Coding change: c.3184C>T on transcript NM_003072.5 (MANE Select); coding-DNA position 3184, C replaced by T.
Protein change: p.His1062Tyr; replaces histidine 1062 with tyrosine.
Molecular consequence: missense variant. On other transcripts: non-coding transcript variant (1).
Genome position (GRCh38, 1-based): chr19:11,026,315, C>T. VCF-style: chr19-11026315-C-T. GRCh37 (hg19) VCF-style: chr19-11136991-C-T.
Other names: c.3184C>T, p.His1062Tyr (NM_001128844.3, NM_001128845.2, NM_001128846.2 and 4 more transcripts); short protein forms H1062Y.
Identifiers: ClinVar variation 823115 (VCV000823115.4), dbSNP rs1600320692, ClinGen allele CA404060094.